The following is an entry in ClinVar:

ClinVar aggregate classification (germline): Uncertain significance (1 of 4 stars; one submission).

Submission:

Labcorp Genetics (formerly Invitae), Labcorp
Classification: Uncertain significance. Last evaluated: 2022-06-27. Review status: criteria provided, single submitter. Criteria: Invitae Variant Classification Sherloc (09022015). Collection method: clinical testing. Allele origin: germline.
Comment: This sequence change replaces glutamine, which is neutral and polar, with proline, which is neutral and non-polar, at codon 123 of the SEMA4A protein (p.Gln123Pro). This variant is not present in population databases (gnomAD no frequency). This variant has not been reported in the literature in individuals affected with SEMA4A-related conditions. Algorithms developed to predict the effect of missense changes on protein structure and function are either unavailable or do not agree on the potential impact of this missense change (SIFT: "Tolerated"; PolyPhen-2: "Possibly Damaging"; Align-GVGD: "Class C0"). In summary, the available evidence is currently insufficient to determine the role of this variant in disease. Therefore, it has been classified as a Variant of Uncertain Significance.

NM_022367.4(SEMA4A):c.368A>C (p.Gln123Pro)

Gene: SEMA4A (semaphorin 4A; plus strand). Cytogenetic location: 1q22.
Variant type: single nucleotide variant.
Coding change: c.368A>C on transcript NM_022367.4 (MANE Select); coding-DNA position 368, A replaced by C.
Protein change: p.Gln123Pro; replaces glutamine 123 with proline.
Molecular consequence: missense variant. On other transcripts: 5 prime UTR variant (2), intron variant (1).
Genome position (GRCh38, 1-based): chr1:156,158,392, A>C. VCF-style: chr1-156158392-A-C. GRCh37 (hg19) VCF-style: chr1-156128183-A-C.
Other names: c.368A>C, p.Gln123Pro (NM_001193300.2, NM_001193301.2, NM_001370567.1); c.71A>C, p.Gln24Pro (NM_001370568.1); c.-157A>C (NM_001370569.1, NM_001370571.1); c.66+260A>C (NM_001193302.2); short protein forms Q24P, Q123P.
Identifiers: ClinVar variation 1346471 (VCV001346471.6), dbSNP rs2102946572, ClinGen allele CA342835709.